The following is an entry in ClinVar:

NM_005732.4(RAD50):c.565T>G (p.Leu189Val)

Gene: RAD50 (RAD50 double strand break repair protein; plus strand). Cytogenetic location: 5q31.1.
Variant type: single nucleotide variant.
Coding change: c.565T>G on transcript NM_005732.4 (MANE Select); coding-DNA position 565, T replaced by G.
Protein change: p.Leu189Val; replaces leucine 189 with valine.
Molecular consequence: missense variant.
Genome position (GRCh38, 1-based): chr5:132,579,875, T>G. VCF-style: chr5-132579875-T-G. GRCh37 (hg19) VCF-style: chr5-131915567-T-G.
Other names: short protein forms L189V.
Identifiers: ClinVar variation 232055 (VCV000232055.5), dbSNP rs876659526, ClinGen allele CA10578493.

ClinVar aggregate classification (germline): Uncertain significance (1 of 4 stars; one submission).

Conditions:
Hereditary cancer-predisposing syndrome. Also called: Neoplastic Syndromes, Hereditary; Tumor predisposition; Hereditary Cancer Syndrome; Hereditary neoplastic syndrome. Identifiers: Orphanet 140162, MedGen C0027672, MeSH D009386, MONDO:0015356.

Submission:

Ambry Genetics
Classification: Uncertain significance for Hereditary cancer-predisposing syndrome. Last evaluated: 2023-10-24. Review status: criteria provided, single submitter. Criteria: Ambry Variant Classification Scheme 2023. Collection method: clinical testing. Allele origin: germline.
Comment: The p.L189V variant (also known as c.565T>G), located in coding exon 5 of the RAD50 gene, results from a T to G substitution at nucleotide position 565. The leucine at codon 189 is replaced by valine, an amino acid with highly similar properties. This amino acid position is highly conserved in available vertebrate species. In addition, this alteration is predicted to be tolerated by in silico analysis. Since supporting evidence is limited at this time, the clinical significance of this alteration remains unclear.